The following is an entry in ClinVar:

NM_001128840.3(CACNA1D):c.5741C>T (p.Thr1914Ile)

Gene: CACNA1D (calcium voltage-gated channel subunit alpha1 D; plus strand). Cytogenetic location: 3p21.1.
Variant type: single nucleotide variant.
Coding change: c.5741C>T on transcript NM_001128840.3 (MANE Select); coding-DNA position 5741, C replaced by T.
Protein change: p.Thr1914Ile; replaces threonine 1914 with isoleucine.
Molecular consequence: missense variant.
Genome position (GRCh38, 1-based): chr3:53,805,138, C>T. VCF-style: chr3-53805138-C-T. GRCh37 (hg19) VCF-style: chr3-53839165-C-T.
Other names: c.5801C>T, p.Thr1934Ile (NM_000720.4); c.5669C>T, p.Thr1890Ile (NM_001128839.3); short protein forms T1934I, T1890I, T1914I.
Identifiers: ClinVar variation 1419545 (VCV001419545.6), dbSNP rs2106829707, ClinGen allele CA353254808.
Genomic context (GRCh38, chr3:53,805,138, plus strand): 5'-ATGACTCGCCCGTTTGCTATGATTCACGGAGATCTCCAAGGAGACGCCTACTACCTCCCA[C>T]CCCAGCATGTGAGGCCAGATTTTTTGTTTTGGGTGGAACCTCCCGGGGAACAGTGTACCT-3'
Protein context (NP_001122312.1, residues 1904-1924): RSPRRRLLPP[Thr1914Ile]PASHRRSSFN

ClinVar aggregate classification (germline): Uncertain significance (1 of 4 stars; one submission).

Submission:

Labcorp Genetics (formerly Invitae), Labcorp
Classification: Uncertain significance. Last evaluated: 2025-08-30. Review status: criteria provided, single submitter. Criteria: Invitae Variant Classification Sherloc (09022015). Collection method: clinical testing. Allele origin: germline.
Comment: This sequence change replaces threonine, which is neutral and polar, with isoleucine, which is neutral and non-polar, at codon 1934 of the CACNA1D protein (p.Thr1934Ile). This variant is not present in population databases (gnomAD no frequency). This variant has not been reported in the literature in individuals affected with CACNA1D-related conditions. ClinVar contains an entry for this variant (Variation ID: 1419545). An algorithm developed to predict the effect of missense changes on protein structure and function (PolyPhen-2) suggests that this variant is likely to be disruptive. In summary, the available evidence is currently insufficient to determine the role of this variant in disease. Therefore, it has been classified as a Variant of Uncertain Significance.